The following is an entry in ClinVar:

NM_001385012.1(NBEA):c.6756_6757del (p.Tyr2252_Ser2253delinsTer)

Gene: NBEA (neurobeachin; plus strand). Cytogenetic location: 13q13.3.
Variant type: Microsatellite.
Coding change: c.6756_6757del on transcript NM_001385012.1 (MANE Select); coding-DNA positions 6756 to 6757, 2 bases deleted (TA; older notation c.6756_6757delTA).
Protein change: p.Tyr2252_Ser2253delinsTer.
Molecular consequence: nonsense.
Genome position (GRCh38, 1-based): chr13:35,550,982-35,550,983, TA deleted; deleting any 2 consecutive bases within chr13:35,550,980-35,550,983 gives the same sequence; the c. name uses the placement nearest the transcript's 3' end. VCF-style (leftmost placement, unchanged base first): chr13-35550979-CTA-C. GRCh37 (hg19) VCF-style: chr13-36125116-CTA-C.
Other names: c.135_136del, p.Tyr45_Ser46delinsTer (NM_001204197.3); c.6747_6748del, p.Tyr2249_Ser2250delinsTer (NM_001379245.1); c.6756_6757del, p.Tyr2252_Ser2253delinsTer (NM_015678.5).
Identifiers: ClinVar variation 4625797 (VCV004625797.1).

ClinVar aggregate classification (germline): Pathogenic (1 of 4 stars; one submission).

Conditions:
Inborn genetic diseases. Identifiers: MedGen C0950123, MeSH D030342.

Submission:

Ambry Genetics
Classification: Pathogenic for Inborn genetic diseases. Last evaluated: 2025-09-22. Review status: criteria provided, single submitter. Criteria: Ambry Variant Classification Scheme 2023. Collection method: clinical testing. Allele origin: germline.
Comment: The c.6756_6757delTA (p.Y2252*) alteration, located in coding exon 43 of the NBEA gene, consists of a deletion of 2 nucleotides from position 6756 to 6757. This changes the amino acid from a tyrosine to a stop codon at amino acid position 2252. This alteration is expected to result in loss of function by premature protein truncation or nonsense-mediated mRNA decay. This variant was not reported in population-based cohorts in the Genome Aggregation Database (gnomAD). Based on the available evidence, this alteration is classified as pathogenic.